The following is an entry in ClinVar:

NM_000492.4:c.(1766+1_1767-1)_(2619+1_2620-1)del

Gene: CFTR (CF transmembrane conductance regulator; plus strand).
Variant type: Deletion.
Other names: CFTRdele13,14a; c.(1766+1_1767-1)_(2619+1_2620-1)del (NM_000492.4).
Identifiers: ClinVar variation 1706044 (VCV001706044.1).

ClinVar aggregate classification (germline): Pathogenic (1 of 4 stars; one submission).

Conditions:
Cystic fibrosis (CF). Also called: MUCOVISCIDOSIS. Identifiers: Orphanet 586, MedGen C0010674, MONDO:0009061, OMIM 219700. Disease mechanism: loss of function.

Submission:

Institute of Human Genetics, University of Leipzig Medical Center
Classification: Pathogenic for Cystic fibrosis. Last evaluated: 2022-09-05. Review status: criteria provided, single submitter. Criteria: ACMG Guidelines, 2015. Collection method: curation. Allele origin: unknown. Affected: yes. Observed: 1 variant allele.
Comment: The variant was classified in the context of a project re-classifying variants in the German Cystic Fibrosis Registry (Muko.e.V.). Criteria applied: PVS1, PM2_SUP, PM3, PP4